The following is an entry in ClinVar:

ClinVar aggregate classification (germline): Conflicting classifications of pathogenicity. Review status: criteria provided, conflicting classifications (1 of 4 stars). 3 submissions from 3 submitters: Uncertain significance (1); Likely benign (2). Last evaluated 2026-07-10.

Conditions:
SERPING1-related disorder. Also called: SERPING1-related condition.

Allele frequency attached by ClinVar (database versions not stated): gnomAD exomes 0.00003 and 0.00006; ExAC 0.00007; ESP Exome Variant Server 0.00008; TOPMed 0.00017; gnomAD 0.00020 and 0.00021.

Submissions (3):

PreventionGenetics, part of Exact Sciences
Classification: Uncertain significance for SERPING1-related condition. Last evaluated: 2026-07-10. Review status: criteria provided, single submitter. Criteria: ACMG Guidelines, 2015. Collection method: clinical testing. Allele origin: germline.
Comment: The SERPING1 c.133G>T variant is predicted to result in the amino acid substitution p.Val45Phe. To our knowledge, this variant has not been reported in the literature. This variant is reported in 0.044% of alleles in individuals of African descent in gnomAD. At this time, the clinical significance of this variant is uncertain due to the absence of conclusive functional and genetic evidence.

Labcorp Genetics (formerly Invitae), Labcorp
Classification: Likely benign. Last evaluated: 2025-10-01. Review status: criteria provided, single submitter. Criteria: Invitae Variant Classification Sherloc (09022015). Collection method: clinical testing. Allele origin: germline.

Blueprint Genetics
Classification: Likely benign. Last evaluated: 2024-09-18. Review status: criteria provided, single submitter. Criteria: ACMG Guidelines, 2015. Collection method: clinical testing. Allele origin: germline.

NM_000062.3(SERPING1):c.133G>T (p.Val45Phe)

Gene: SERPING1 (serpin family G member 1; plus strand). Cytogenetic location: 11q12.1.
Variant type: single nucleotide variant.
Coding change: c.133G>T on transcript NM_000062.3 (MANE Select); coding-DNA position 133, G replaced by T.
Protein change: p.Val45Phe; replaces valine 45 with phenylalanine.
Molecular consequence: missense variant.
Genome position (GRCh38, 1-based): chr11:57,599,960, G>T. VCF-style: chr11-57599960-G-T. GRCh37 (hg19) VCF-style: chr11-57367433-G-T.
Other names: c.133G>T, p.Val45Phe (NM_001032295.2); c.133G>T (NM_000062.2); short protein forms V45F.
Identifiers: ClinVar variation 1096580 (VCV001096580.11), dbSNP rs143231506, ClinGen allele CA6007979.